The following is an entry in ClinVar:

NM_004991.4(MECOM):c.619C>T (p.Arg207Trp)

Gene: MECOM (MDS1 and EVI1 complex locus; minus strand). Cytogenetic location: 3q26.2.
Variant type: single nucleotide variant.
Coding change: c.619C>T on transcript NM_004991.4 (MANE Select); coding-DNA position 619, C replaced by T.
Protein change: p.Arg207Trp; replaces arginine 207 with tryptophan.
Molecular consequence: missense variant.
Genome position (GRCh38, 1-based): chr3:169,128,055, G>A on the plus strand (C>T on the coding strand, the complement: MECOM is on the minus strand). VCF-style: chr3-169128055-G-A. GRCh37 (hg19) VCF-style: chr3-168845843-G-A.
Other names: c.247C>T, p.Arg83Trp (NM_001105077.4); c.55C>T, p.Arg19Trp (NM_001105078.4, NM_001163999.2, NM_001164000.2 and 9 more transcripts); c.619C>T, p.Arg207Trp (NM_001366466.2, NM_001366473.2); short protein forms R83W, R207W, R19W.
Identifiers: ClinVar variation 3871704 (VCV003871704.1).

ClinVar aggregate classification (germline): Uncertain significance (1 of 4 stars; one submission).

Conditions:
Inborn genetic diseases. Identifiers: MedGen C0950123, MeSH D030342.

gnomAD v4.1: 4 of 1,613,844 alleles (0.00025%); highest among the groups gnomAD compares: Middle Eastern, 0.017%; no homozygotes.

Submission:

Ambry Genetics
Classification: Uncertain significance for Inborn genetic diseases. Last evaluated: 2025-01-13. Review status: criteria provided, single submitter. Criteria: Ambry Variant Classification Scheme 2023. Collection method: clinical testing. Allele origin: germline.
Comment: The p.R207W variant (also known as c.619C>T), located in coding exon 5 of the MECOM gene, results from a C to T substitution at nucleotide position 619. The arginine at codon 207 is replaced by tryptophan, an amino acid with dissimilar properties. This amino acid position is conserved. In addition, the in silico prediction for this alteration is inconclusive. Based on the available evidence, the clinical significance of this variant remains unclear.